The following is an entry in ClinVar:

ClinVar aggregate classification (germline): Uncertain significance (1 of 4 stars; one submission).

Conditions:
Combined oxidative phosphorylation defect type 17. Also called: Combined oxidative phosphorylation deficiency 17. Identifiers: Orphanet 369913, MedGen C3809526, MONDO:0014190, OMIM 615440.

Allele frequency attached by ClinVar (database versions not stated): TOPMed below 0.00001; gnomAD 0.00001.

Submission:

Labcorp Genetics (formerly Invitae), Labcorp
Classification: Uncertain significance for Combined oxidative phosphorylation defect type 17. Last evaluated: 2022-05-30. Review status: criteria provided, single submitter. Criteria: Invitae Variant Classification Sherloc (09022015). Collection method: clinical testing. Allele origin: germline.
Comment: In summary, the available evidence is currently insufficient to determine the role of this variant in disease. Therefore, it has been classified as a Variant of Uncertain Significance. Algorithms developed to predict the effect of missense changes on protein structure and function (SIFT, PolyPhen-2, Align-GVGD) all suggest that this variant is likely to be tolerated. This variant has not been reported in the literature in individuals affected with ELAC2-related conditions. This variant is not present in population databases (gnomAD no frequency). This sequence change replaces methionine, which is neutral and non-polar, with isoleucine, which is neutral and non-polar, at codon 16 of the ELAC2 protein (p.Met16Ile).

NM_018127.7(ELAC2):c.48G>A (p.Met16Ile)

Gene: ELAC2 (elaC ribonuclease Z 2; minus strand). Cytogenetic location: 17p12.
Variant type: single nucleotide variant.
Coding change: c.48G>A on transcript NM_018127.7 (MANE Select); coding-DNA position 48, G replaced by A.
Protein change: p.Met16Ile; replaces methionine 16 with isoleucine.
Molecular consequence: missense variant.
Genome position (GRCh38, 1-based): chr17:13,017,900, C>T on the plus strand (G>A on the coding strand, the complement: ELAC2 is on the minus strand). VCF-style: chr17-13017900-C-T. GRCh37 (hg19) VCF-style: chr17-12921217-C-T.
Other names: c.48G>A, p.Met16Ile (NM_001165962.2, NM_173717.2); short protein forms M16I.
Identifiers: ClinVar variation 2052093 (VCV002052093.2), dbSNP rs749967189, ClinGen allele CA8401852.